The following is an entry in ClinVar:

ClinVar aggregate classification (germline): Benign (0 of 4 stars; one submission).

Conditions:
MYO7B-related disorder. Also called: MYO7B-related condition.

Allele frequency attached by ClinVar (database versions not stated): gnomAD exomes 0.00074; ExAC 0.00225; gnomAD 0.00651; 1000 Genomes Project 0.00719; TOPMed 0.00735; ESP Exome Variant Server 0.00742; 1000 Genomes Project 30x 0.00859.
gnomAD v4.1: 2,159 of 1,613,414 alleles (0.13%); highest among the groups gnomAD compares: African/African-American, 2.2%; 33 homozygotes.

Submission:

PreventionGenetics, part of Exact Sciences
Classification: Benign for MYO7B-related condition. Last evaluated: 2019-04-11. Review status: no assertion criteria provided. Collection method: clinical testing. Allele origin: germline.
Comment: This variant is classified as benign based on ACMG/AMP sequence variant interpretation guidelines (Richards et al. 2015 PMID: 25741868, with internal and published modifications).

NM_001393586.1(MYO7B):c.3034G>A (p.Val1012Ile)

Gene: MYO7B (myosin VIIB; plus strand). Cytogenetic location: 2q14.3.
Variant type: single nucleotide variant.
Coding change: c.3034G>A on transcript NM_001393586.1 (MANE Select); coding-DNA position 3034, G replaced by A.
Protein change: p.Val1012Ile; replaces valine 1012 with isoleucine.
Molecular consequence: missense variant.
Genome position (GRCh38, 1-based): chr2:127,609,858, G>A. VCF-style: chr2-127609858-G-A. GRCh37 (hg19) VCF-style: chr2-128367433-G-A.
Other names: c.3034G>A, p.Val1012Ile (NM_001080527.2); short protein forms V1012I.
Identifiers: ClinVar variation 3037155 (VCV003037155.2), dbSNP rs61741454, ClinGen allele CA1861319.
Genomic context (GRCh38, chr2:127,609,858, plus strand): 5'-GGCCATAGTCACTGATGGGTTCCCACTGGGCCTTCTGTCTTGTTTCCCCAGGCCGCCCTG[G>A]TCATATGGAACGTCATCCTGAGGTTCATGGGTGATCTCCCAGAGCCAGTGCTGTATGCCA-3'
Protein context (NP_001380515.1, residues 1002-1022): EDDTDCLAAL[Val1012Ile]IWNVILRFMG